The following is an entry in ClinVar:

NM_000334.4(SCN4A):c.4804A>C (p.Asn1602His)

Genes: GH-LCR (growth hormone locus control region; plus strand), SCN4A (sodium voltage-gated channel alpha subunit 4; minus strand). Cytogenetic location: 17q23.3.
Variant type: single nucleotide variant.
Coding change: c.4804A>C on transcript NM_000334.4 (MANE Select); coding-DNA position 4804, A replaced by C.
Protein change: p.Asn1602His; replaces asparagine 1602 with histidine.
Molecular consequence: missense variant.
Genome position (GRCh38, 1-based): chr17:63,941,478, T>G on the plus strand (A>C on the coding strand, the complement: SCN4A is on the minus strand). VCF-style: chr17-63941478-T-G. GRCh37 (hg19) VCF-style: chr17-62018838-T-G.
Other names: short protein forms N1602H.
Identifiers: ClinVar variation 448283 (VCV000448283.7), dbSNP rs1189124411, ClinGen allele CA400614938.

ClinVar aggregate classification (germline): Uncertain significance. Review status: criteria provided, multiple submitters, no conflicts (2 of 4 stars). 3 submissions from 3 submitters: Uncertain significance (3). Last evaluated 2025-08-22.

Conditions:
Hyperkalemic periodic paralysis. Also called: Gamstorp disease; Familial hyperkalemic periodic paralysis. Identifiers: Orphanet 682, MedGen C0238357, MONDO:0008224, OMIM 170500, HP:0007215.

Allele frequency attached by ClinVar (database versions not stated): gnomAD exomes below 0.00001; TOPMed below 0.00001; gnomAD 0.00001.
gnomAD v4.1: 4 of 1,613,910 alleles (0.00025%); highest among the groups gnomAD compares: Non-Finnish European, 0.00034%; no homozygotes.

Submissions (3):

Labcorp Genetics (formerly Invitae), Labcorp
Classification: Uncertain significance for Hyperkalemic periodic paralysis. Last evaluated: 2025-08-22. Review status: criteria provided, single submitter. Criteria: Invitae Variant Classification Sherloc (09022015). Collection method: clinical testing. Allele origin: germline.
Comment: This sequence change replaces asparagine, which is neutral and polar, with histidine, which is basic and polar, at codon 1602 of the SCN4A protein (p.Asn1602His). This variant is not present in population databases (gnomAD no frequency). This variant has not been reported in the literature in individuals affected with SCN4A-related conditions. ClinVar contains an entry for this variant (Variation ID: 448283). Invitae Evidence Modeling of protein sequence and biophysical properties (such as structural, functional, and spatial information, amino acid conservation, physicochemical variation, residue mobility, and thermodynamic stability) has been performed for this missense variant. However, the output from this modeling did not meet the statistical confidence thresholds required to predict the impact of this variant on SCN4A protein function. In summary, the available evidence is currently insufficient to determine the role of this variant in disease. Therefore, it has been classified as a Variant of Uncertain Significance.

Blueprint Genetics
Classification: Uncertain significance. Last evaluated: 2024-01-17. Review status: criteria provided, single submitter. Criteria: ACMG Guidelines, 2015. Collection method: clinical testing. Allele origin: germline.

Athena Diagnostics
Classification: Uncertain significance. Last evaluated: 2016-11-10. Review status: criteria provided, single submitter. Criteria: Athena Diagnostics Criteria. Collection method: clinical testing. Allele origin: germline.